The following is an entry in ClinVar:

NM_052897.4(MBD6):c.549dup (p.Leu184fs)

Gene: MBD6 (methyl-CpG binding domain protein 6; plus strand). Cytogenetic location: 12q13.3.
Variant type: Duplication.
Coding change: c.549dup on transcript NM_052897.4 (MANE Select); coding-DNA position 549, one base duplicated (G; older notation c.549dupG).
Protein change: p.Leu184fs; shifts the reading frame from leucine 184.
Molecular consequence: frameshift variant.
Genome position (GRCh38, 1-based): chr12:57,525,517, G duplicated; the last of 6 consecutive G bases (chr12:57,525,512-57,525,517); duplicating any one gives the same sequence. VCF-style (leftmost placement, unchanged base first): chr12-57525511-T-TG. GRCh37 (hg19) VCF-style: chr12-57919294-T-TG.
Other names: short protein forms L184fs.
Identifiers: ClinVar variation 4995403 (VCV004995403.1).

ClinVar aggregate classification (germline): Uncertain significance (1 of 4 stars; one submission).

Conditions:
MBD6-related disorder. Also called: MBD6-related condition.

Submission:

PreventionGenetics, part of Exact Sciences
Classification: Uncertain significance for MBD6-related condition. Last evaluated: 2025-12-05. Review status: criteria provided, single submitter. Criteria: ACMG Guidelines, 2015. Collection method: clinical testing. Allele origin: germline.
Comment: The MBD6 c.549dupG variant is predicted to result in a frameshift and premature protein termination (p.Leu184Alafs*8). To our knowledge, this variant has not been reported in the literature or in a large population database (gnomAD), indicating this variant is rare. Loss of function is not an established mechanism of MBD6-related disease. At this time, the clinical significance of this variant is uncertain due to the absence of conclusive functional and genetic evidence.